The following is an entry in ClinVar:

NM_001017420.3(ESCO2):c.54-1_59del

Gene: ESCO2 (establishment of sister chromatid cohesion N-acetyltransferase 2; plus strand). Cytogenetic location: 8p21.1.
Variant type: Deletion.
Coding change: c.54-1_59del on transcript NM_001017420.3 (MANE Select); the canonical splice acceptor site of the intron before coding-DNA position 54 through coding-DNA position 59, 7 bases deleted (GCCTTTT; older notation c.54-1_59delGCCTTTT).
Molecular consequence: splice acceptor variant.
Genome position (GRCh38, 1-based): chr8:27,776,361-27,776,367, GCCTTTT deleted. VCF-style (leftmost placement, unchanged base first): chr8-27776360-AGCCTTTT-A. GRCh37 (hg19) VCF-style: chr8-27633877-AGCCTTTT-A.
Identifiers: ClinVar variation 1509399 (VCV001509399.6), dbSNP rs1378420951, ClinGen allele CA580674920.

ClinVar aggregate classification (germline): Likely pathogenic (1 of 4 stars; one submission).

Submission:

Labcorp Genetics (formerly Invitae), Labcorp
Classification: Likely pathogenic. Last evaluated: 2023-05-02. Review status: criteria provided, single submitter. Criteria: Invitae Variant Classification Sherloc (09022015). Collection method: clinical testing. Allele origin: germline.
Comment: This variant results in the deletion of part of exon 3 (c.54-1_59del) of the ESCO2 gene. It is expected to disrupt RNA splicing. Variants that disrupt the donor or acceptor splice site typically lead to a loss of protein function (PMID: 16199547), and loss-of-function variants in ESCO2 are known to be pathogenic (PMID: 15821733, 16380922). In summary, the currently available evidence indicates that the variant is pathogenic, but additional data are needed to prove that conclusively. Therefore, this variant has been classified as Likely Pathogenic. Algorithms developed to predict the effect of sequence changes on RNA splicing suggest that this variant may disrupt the consensus splice site. ClinVar contains an entry for this variant (Variation ID: 1509399). This variant has not been reported in the literature in individuals affected with ESCO2-related conditions. This variant is not present in population databases (gnomAD no frequency).

Literature cited by the submitters: PubMed 16199547; PubMed 15821733; PubMed 16380922.